The following is an entry in ClinVar:

ClinVar aggregate classification (germline): Uncertain significance (1 of 4 stars; one submission).

Submission:

GeneDx
Classification: Uncertain significance. Last evaluated: 2024-04-16. Review status: criteria provided, single submitter. Criteria: GeneDx Variant Classification Process June 2021. Collection method: clinical testing. Allele origin: germline. Affected: yes.
Comment: Not observed at significant frequency in large population cohorts (gnomAD); In silico analysis supports that this missense variant has a deleterious effect on protein structure/function; Has not been previously published as pathogenic or benign to our knowledge

NM_002074.5(GNB1):c.940C>T (p.Arg314Cys)

Gene: GNB1 (G protein subunit beta 1; minus strand). Cytogenetic location: 1p36.33.
Variant type: single nucleotide variant.
Coding change: c.940C>T on transcript NM_002074.5 (MANE Select); coding-DNA position 940, C replaced by T.
Protein change: p.Arg314Cys; replaces arginine 314 with cysteine.
Molecular consequence: missense variant.
Genome position (GRCh38, 1-based): chr1:1,787,414, G>A on the plus strand (C>T on the coding strand, the complement: GNB1 is on the minus strand). VCF-style: chr1-1787414-G-A. GRCh37 (hg19) VCF-style: chr1-1718853-G-A.
Other names: c.640C>T, p.Arg214Cys (NM_001282538.2); c.940C>T, p.Arg314Cys (NM_001282539.2); short protein forms R214C, R314C.
Identifiers: ClinVar variation 3369876 (VCV003369876.1).